The following is an entry in ClinVar:

NM_001378414.1(HDAC4):c.2524G>A (p.Val842Met)

Gene: HDAC4 (histone deacetylase 4; minus strand). Cytogenetic location: 2q37.3.
Variant type: single nucleotide variant.
Coding change: c.2524G>A on transcript NM_001378414.1 (MANE Select); coding-DNA position 2524, G replaced by A.
Protein change: p.Val842Met; replaces valine 842 with methionine.
Molecular consequence: missense variant.
Genome position (GRCh38, 1-based): chr2:239,084,163, C>T on the plus strand (G>A on the coding strand, the complement: HDAC4 is on the minus strand). VCF-style: chr2-239084163-C-T. GRCh37 (hg19) VCF-style: chr2-240005859-C-T.
Other names: c.2524G>A, p.Val842Met (NM_001378415.1); c.2509G>A, p.Val837Met (NM_001378416.1, NM_001378417.1, NM_006037.4); c.2443G>A, p.Val815Met (NM_001435991.1, NM_001435992.1); c.2365G>A, p.Val789Met (NM_001435993.1); short protein forms V842M, V789M, V815M, V837M.
Identifiers: ClinVar variation 4751398 (VCV004751398.1).

ClinVar aggregate classification (germline): Uncertain significance (1 of 4 stars; one submission).

gnomAD v4.1: 31 of 1,612,598 alleles (0.0019%); highest among the groups gnomAD compares: East Asian, 0.0089%; no homozygotes.

Submission:

Labcorp Genetics (formerly Invitae), Labcorp
Classification: Uncertain significance. Last evaluated: 2025-11-27. Review status: criteria provided, single submitter. Criteria: Invitae Variant Classification Sherloc (09022015). Collection method: clinical testing. Allele origin: germline.
Comment: This sequence change replaces valine, which is neutral and non-polar, with methionine, which is neutral and non-polar, at codon 837 of the HDAC4 protein (p.Val837Met). This variant is present in population databases (rs768337069, gnomAD 0.005%). This variant has not been reported in the literature in individuals affected with HDAC4-related conditions. Invitae Evidence Modeling of protein sequence and biophysical properties (such as structural, functional, and spatial information, amino acid conservation, physicochemical variation, residue mobility, and thermodynamic stability) indicates that this missense variant is expected to disrupt HDAC4 protein function with a positive predictive value of 80%. In summary, the available evidence is currently insufficient to determine the role of this variant in disease. Therefore, it has been classified as a Variant of Uncertain Significance.